The following is an entry in ClinVar:

ClinVar aggregate classification (germline): Benign/Likely benign. Review status: criteria provided, multiple submitters, no conflicts (2 of 4 stars). 5 submissions from 5 submitters: Benign (1); Likely benign (4). Last evaluated 2025-05-27.

Conditions:
Hereditary cancer-predisposing syndrome. Also called: Neoplastic Syndromes, Hereditary; Hereditary neoplastic syndrome; Tumor predisposition; Hereditary Cancer Syndrome. Identifiers: Orphanet 140162, MedGen C0027672, MeSH D009386, MONDO:0015356.
Oligodontia-cancer predisposition syndrome. Also called: TOOTH AGENESIS-COLORECTAL CANCER SYNDROME. Identifiers: Orphanet 300576, MedGen C1837750, MONDO:0012075, OMIM 608615. Disease mechanism: loss of function.

Allele frequency attached by ClinVar (database versions not stated): gnomAD 0.00001; TOPMed 0.00001.
gnomAD v4.1: 4 of 1,613,540 alleles (0.00025%); highest among the groups gnomAD compares: East Asian, 0.0022%; no homozygotes.

Submissions (5):

Quest Diagnostics Nichols Institute San Juan Capistrano
Classification: Likely benign. Last evaluated: 2025-05-27. Review status: criteria provided, single submitter. Criteria: Quest Diagnostics criteria. Collection method: clinical testing. Allele origin: unknown.

Myriad Genetics, Inc.
Classification: Benign for Oligodontia-cancer predisposition syndrome. Last evaluated: 2024-07-08. Review status: criteria provided, single submitter. Criteria: Myriad Autosomal Dominant, Autosomal Recessive and X-Linked Classification Criteria (2023). Collection method: clinical testing. Allele origin: unknown.
Comment: This variant is considered benign. This variant is a silent/synonymous amino acid change and it is not expected to impact splicing.

Labcorp Genetics (formerly Invitae), Labcorp
Classification: Likely benign for Oligodontia-cancer predisposition syndrome. Last evaluated: 2023-07-24. Review status: criteria provided, single submitter. Criteria: Invitae Variant Classification Sherloc (09022015). Collection method: clinical testing. Allele origin: germline.

Sema4
Classification: Likely benign for Hereditary cancer-predisposing syndrome. Last evaluated: 2021-08-18. Review status: criteria provided, single submitter. Criteria: Sema4 Curation Guidelines. Collection method: curation. Allele origin: germline.

Ambry Genetics
Classification: Likely benign for Hereditary cancer-predisposing syndrome. Last evaluated: 2020-03-17. Review status: criteria provided, single submitter. Criteria: Ambry Variant Classification Scheme 2023. Collection method: clinical testing. Allele origin: germline.

NM_004655.4(AXIN2):c.1848G>T (p.Ser616=)

Gene: AXIN2 (axin 2; minus strand). Cytogenetic location: 17q24.1.
Variant type: single nucleotide variant.
Coding change: c.1848G>T on transcript NM_004655.4 (MANE Select); coding-DNA position 1848, G replaced by T.
Protein change: p.Ser616=; no amino-acid change (serine 616 retained).
Molecular consequence: synonymous variant. On other transcripts: intron variant (1).
Genome position (GRCh38, 1-based): chr17:65,536,928, C>A on the plus strand (G>T on the coding strand, the complement: AXIN2 is on the minus strand). VCF-style: chr17-65536928-C-A. GRCh37 (hg19) VCF-style: chr17-63533046-C-A.
Other names: c.1713-375G>T (NM_001363813.1).
Identifiers: ClinVar variation 796356 (VCV000796356.15), dbSNP rs1362072020, ClinGen allele CA501691070.